The following is an entry in ClinVar:

ClinVar aggregate classification (germline): Pathogenic. Review status: criteria provided, multiple submitters, no conflicts (2 of 4 stars). 2 submissions from 2 submitters: Pathogenic (2). Last evaluated 2025-12-28.

Conditions:
USH2A-related disorder. Also called: USH2A-related condition; USH2A-related disorders. Identifiers: MedGen CN239332.

Submissions (2):

Labcorp Genetics (formerly Invitae), Labcorp
Classification: Pathogenic. Last evaluated: 2025-12-28. Review status: criteria provided, single submitter. Criteria: Invitae Variant Classification Sherloc (09022015). Collection method: clinical testing. Allele origin: germline.
Comment: This sequence change creates a premature translational stop signal (p.Gln4158*) in the USH2A gene. It is expected to result in an absent or disrupted protein product. Loss-of-function variants in USH2A are known to be pathogenic (PMID: 10729113, 10909849, 20507924, 25649381). This variant is not present in population databases (gnomAD no frequency). This variant has not been reported in the literature in individuals affected with USH2A-related conditions. ClinVar contains an entry for this variant (Variation ID: 1071603). For these reasons, this variant has been classified as Pathogenic.

Myriad Genetics, Inc.
Classification: Pathogenic for USH2A-related disorder. Last evaluated: 2024-05-08. Review status: criteria provided, single submitter. Criteria: Myriad Autosomal Dominant, Autosomal Recessive and X-Linked Classification Criteria (2023). Collection method: clinical testing. Allele origin: unknown.
Comment: NM_206933.2(USH2A):c.12472C>T(Q4158*) is expected to be pathogenic in the context of USH2A-related disorders. This variant is predicted to lead to an abnormal or absent protein product due to the creation of a premature termination codon in USH2A, a gene where loss-of-function variants are known to be pathogenic. Please note: this variant was assessed in the context of healthy population screening.

Literature cited by the submitters: PubMed 10729113 (cited by Labcorp Genetics (formerly Invitae), Labcorp); PubMed 10909849 (cited by Labcorp Genetics (formerly Invitae), Labcorp); PubMed 20507924 (cited by Labcorp Genetics (formerly Invitae), Labcorp); PubMed 25649381 (cited by Labcorp Genetics (formerly Invitae), Labcorp).

NM_206933.4(USH2A):c.12472C>T (p.Gln4158Ter)

Gene: USH2A (usherin; minus strand). Cytogenetic location: 1q41.
Variant type: single nucleotide variant.
Coding change: c.12472C>T on transcript NM_206933.4 (MANE Select); coding-DNA position 12472, C replaced by T.
Protein change: p.Gln4158Ter; replaces glutamine 4158 with a stop codon.
Molecular consequence: nonsense.
Genome position (GRCh38, 1-based): chr1:215,675,439, G>A on the plus strand (C>T on the coding strand, the complement: USH2A is on the minus strand). VCF-style: chr1-215675439-G-A. GRCh37 (hg19) VCF-style: chr1-215848781-G-A.
Other names: short protein forms Q4158*.
Identifiers: ClinVar variation 1071603 (VCV001071603.9), dbSNP rs2102666887, ClinGen allele CA344850825.